The following is an entry in ClinVar:

NM_006005.3(WFS1):c.2185G>A (p.Asp729Asn)

Gene: WFS1 (wolframin ER transmembrane glycoprotein; plus strand). Cytogenetic location: 4p16.1.
Variant type: single nucleotide variant.
Coding change: c.2185G>A on transcript NM_006005.3 (MANE Select); coding-DNA position 2185, G replaced by A.
Protein change: p.Asp729Asn; replaces aspartic acid 729 with asparagine.
Molecular consequence: missense variant.
Genome position (GRCh38, 1-based): chr4:6,301,980, G>A. VCF-style: chr4-6301980-G-A. GRCh37 (hg19) VCF-style: chr4-6303707-G-A.
Other names: c.2185G>A, p.Asp729Asn (NM_001145853.1); short protein forms D729N.
Identifiers: ClinVar variation 212613 (VCV000212613.16), dbSNP rs575778537, ClinGen allele CA205181.
Genomic context (GRCh38, chr4:6,301,980, plus strand): 5'-GTGACTGACATCGACAACAGCGCCGAGTCTGCCATCAACATGCTCCCGTTCTTCATCGGC[G>A]ACTGGATGCGCTGCCTCTACGGCGAGGCCTACCCTGCCTGCAGCCCTGGCAACACCTCCA-3'
Protein context (NP_005996.2, residues 719-739): AINMLPFFIG[Asp729Asn]WMRCLYGEAY

ClinVar aggregate classification (germline): Conflicting classifications of pathogenicity. Review status: criteria provided, conflicting classifications (1 of 4 stars). 5 submissions from 5 submitters: Uncertain significance (4); Likely benign (1). Last evaluated 2026-01-05.

Conditions:
WFS1-related disorder. Identifiers: MedGen CN379391, MONDO:0700293.
Autosomal dominant nonsyndromic hearing loss 6 (LFSNHL). Also called: Autosomal dominant nonsyndromic deafness 6; DEAFNESS, AUTOSOMAL DOMINANT 6; DEAFNESS, AUTOSOMAL DOMINANT 14; DEAFNESS, AUTOSOMAL DOMINANT 38. Identifiers: Orphanet 90635, MedGen C1833021, MONDO:0010963, OMIM 600965.
Type 2 diabetes mellitus. Also called: Type II diabetes mellitus. Identifiers: MedGen C0011860, MeSH D003924, MONDO:0005148, OMIM 125853, HP:0005978.
Wolfram-like syndrome. Also called: HEARING LOSS, PROGRESSIVE, WITH OPTIC ATROPHY AND/OR IMPAIRED GLUCOSE REGULATION. Identifiers: Orphanet 411590, MedGen C3280358, MONDO:0013673, OMIM 614296.
Cataract 41 (CTRCT41). Also called: CATARACT 41, CONGENITAL NUCLEAR TYPE. Identifiers: Orphanet 91492, Orphanet 98991, Orphanet 98992, Orphanet 98995, MedGen C3805412, MONDO:0007287, OMIM 116400.
Wolfram syndrome 1 (WFS1). Identifiers: Orphanet 3463, MedGen C4551693, MONDO:0009101, OMIM 222300.

Allele frequency attached by ClinVar (database versions not stated): TOPMed 0.00003; gnomAD 0.00004 and 0.00006; ExAC 0.00011; gnomAD exomes 0.00011; 1000 Genomes Project 0.00040; 1000 Genomes Project 30x 0.00047.
gnomAD v4.1: 123 of 1,612,746 alleles (0.0076%); highest among the groups gnomAD compares: South Asian, 0.11%; 1 homozygote.

Submissions (5):

Labcorp Genetics (formerly Invitae), Labcorp
Classification: Likely benign. Last evaluated: 2026-01-05. Review status: criteria provided, single submitter. Criteria: Invitae Variant Classification Sherloc (09022015). Collection method: clinical testing. Allele origin: germline.

PreventionGenetics, part of Exact Sciences
Classification: Uncertain significance for WFS1-related condition. Last evaluated: 2025-01-29. Review status: criteria provided, single submitter. Criteria: ACMG Guidelines, 2015. Collection method: clinical testing. Allele origin: germline.
Comment: The WFS1 c.2185G>A variant is predicted to result in the amino acid substitution p.Asp729Asn. This variant was reported in the heterozygous state without a second potentially causative variant in three individuals with hearing loss, one of which also had diabetes mellitus (Domenech et al. 2002. PubMed ID: 12107816; Kobayashi et al. 2018. PubMed ID: 29529044). This variant is reported in 0.082% of alleles in individuals of South Asian descent in gnomAD. At this time, the clinical significance of this variant is uncertain due to the absence of conclusive functional and genetic evidence.

Blueprint Genetics
Classification: Uncertain significance. Last evaluated: 2024-10-16. Review status: criteria provided, single submitter. Criteria: ACMG Guidelines, 2015. Collection method: clinical testing. Allele origin: germline.

Fulgent Genetics
Classification: Uncertain significance for Cataract 41; Type 2 diabetes mellitus; Wolfram syndrome 1; Autosomal dominant nonsyndromic hearing loss 6; Wolfram-like syndrome. Last evaluated: 2024-06-18. Review status: criteria provided, single submitter. Criteria: ACMG Guidelines, 2015. Collection method: clinical testing. Allele origin: germline.

Genetic Services Laboratory, University of Chicago
Classification: Uncertain significance. Last evaluated: 2015-04-30. Review status: criteria provided, single submitter. Criteria: ACMG Guidelines, 2015. Collection method: clinical testing. Allele origin: germline.